The following is an entry in ClinVar:

ClinVar aggregate classification (germline): Uncertain significance (1 of 4 stars; one submission).

Submission:

Ambry Genetics
Classification: Uncertain significance. Last evaluated: 2025-05-19. Review status: criteria provided, single submitter. Criteria: Ambry Variant Classification Scheme 2023. Collection method: clinical testing. Allele origin: germline.
Comment: The p.D1126E variant (also known as c.3378C>G), located in coding exon 13 of the WNK2 gene, results from a C to G substitution at nucleotide position 3378. The aspartic acid at codon 1126 is replaced by glutamic acid, an amino acid with highly similar properties. This amino acid position is conserved. In addition, this alteration is predicted to be tolerated by in silico analysis. Based on the available evidence, the clinical significance of this variant remains unclear.

NM_006648.4(WNK2):c.3378C>G (p.Asp1126Glu)

Gene: WNK2 (WNK lysine deficient protein kinase 2; plus strand). Cytogenetic location: 9q22.31.
Variant type: single nucleotide variant.
Coding change: c.3378C>G on transcript NM_006648.4 (MANE Select); coding-DNA position 3378, C replaced by G.
Protein change: p.Asp1126Glu; replaces aspartic acid 1126 with glutamic acid.
Molecular consequence: missense variant.
Genome position (GRCh38, 1-based): chr9:93,262,687, C>G. VCF-style: chr9-93262687-C-G. GRCh37 (hg19) VCF-style: chr9-96024969-C-G.
Other names: c.3378C>G, p.Asp1126Glu (NM_001282394.3); short protein forms D1126E.
Identifiers: ClinVar variation 3982079 (VCV003982079.1).